The following is an entry in ClinVar:

ClinVar aggregate classification (germline): Likely benign. Review status: criteria provided, multiple submitters, no conflicts (2 of 4 stars). 2 submissions from 2 submitters: Likely benign (2). Last evaluated 2025-03-18.

Conditions:
RP1L1-related disorder. Also called: RP1L1-related condition.

Submissions (2):

PreventionGenetics, part of Exact Sciences
Classification: Likely benign for RP1L1-related condition. Last evaluated: 2025-03-18. Review status: criteria provided, single submitter. Criteria: ACMG Guidelines, 2015. Collection method: clinical testing. Allele origin: germline.
Comment: This variant is classified as likely benign based on ACMG/AMP sequence variant interpretation guidelines (Richards et al. 2015 PMID: 25741868, with internal and published modifications).

Blueprint Genetics
Classification: Likely benign. Last evaluated: 2019-04-05. Review status: criteria provided, single submitter. Criteria: ACMG Guidelines, 2015. Collection method: clinical testing. Allele origin: germline.

NM_178857.6(RP1L1):c.4831C>A (p.Arg1611=)

Gene: RP1L1 (RP1 like 1). Cytogenetic location: 8p23.1.
Variant type: single nucleotide variant.
Coding change: c.4831C>A on transcript NM_178857.6 (MANE Select); coding-DNA position 4831, C replaced by A.
Protein change: p.Arg1611=; no amino-acid change (arginine 1611 retained).
Molecular consequence: synonymous variant.
Genome position (GRCh38, 1-based): chr8:10,609,267, G>T on the plus strand (C>A on the coding strand, the complement: RP1L1 is on the minus strand). VCF-style: chr8-10609267-G-T. GRCh37 (hg19) VCF-style: chr8-10466777-G-T.
Other names: c.4831C>A (NM_178857.5).
Identifiers: ClinVar variation 4899023 (VCV004899023.2).